The following is an entry in ClinVar:

NM_001384125.1(BLTP1):c.6705G>C (p.Glu2235Asp)

Gene: BLTP1 (bridge-like lipid transfer protein family member 1; plus strand). Cytogenetic location: 4q27.
Variant type: single nucleotide variant.
Coding change: c.6705G>C on transcript NM_001384125.1 (MANE Select); coding-DNA position 6705, G replaced by C.
Protein change: p.Glu2235Asp; replaces glutamic acid 2235 with aspartic acid.
Molecular consequence: missense variant.
Genome position (GRCh38, 1-based): chr4:122,258,786, G>C. VCF-style: chr4-122258786-G-C. GRCh37 (hg19) VCF-style: chr4-123179941-G-C.
Other names: c.6705G>C, p.Glu2235Asp (NM_015312.4); short protein forms E2235D.
Identifiers: ClinVar variation 2507267 (VCV002507267.2), dbSNP rs764573485, ClinGen allele CA3066873.
Genomic context (GRCh38, chr4:122,258,786, plus strand): 5'-ATTAGAAGGAACAGCTAACCGGCCTCCACCTGGTAGCTCTGGACCTGTAACTGGAGCTGA[G>C]ATAATGAGGAAACTTTCTAAAACTCATACCCATAGTGACTCTGCATTAAAAATAAAGGTA-3'
Protein context (NP_001371054.1, residues 2225-2245): PGSSGPVTGA[Glu2235Asp]IMRKLSKTHT

ClinVar aggregate classification (germline): Uncertain significance. Review status: criteria provided, multiple submitters, no conflicts (2 of 4 stars). 2 submissions from 2 submitters: Uncertain significance (2). Last evaluated 2024-02-26.

Allele frequency attached by ClinVar (database versions not stated): ExAC 0.00004; TOPMed 0.00016; gnomAD 0.00022.
gnomAD v4.1: 168 of 1,613,810 alleles (0.01%); highest among the groups gnomAD compares: Admixed American, 0.065%; no homozygotes.

Submissions (2):

Ambry Genetics
Classification: Uncertain significance. Last evaluated: 2024-02-26. Review status: criteria provided, single submitter. Criteria: Ambry Variant Classification Scheme 2023. Collection method: clinical testing. Allele origin: germline.

GeneDx
Classification: Uncertain significance. Last evaluated: 2022-12-28. Review status: criteria provided, single submitter. Criteria: GeneDx Variant Classification Process June 2021. Collection method: clinical testing. Allele origin: germline. Affected: yes.
Comment: In silico analysis supports that this missense variant does not alter protein structure/function; Has not been previously published as pathogenic or benign to our knowledge